The following is an entry in ClinVar:

NM_001081.4(CUBN):c.6228C>G (p.Asp2076Glu)

Gene: CUBN (cubilin; minus strand). Cytogenetic location: 10p13.
Variant type: single nucleotide variant.
Coding change: c.6228C>G on transcript NM_001081.4 (MANE Select); coding-DNA position 6228, C replaced by G.
Protein change: p.Asp2076Glu; replaces aspartic acid 2076 with glutamic acid.
Molecular consequence: missense variant.
Genome position (GRCh38, 1-based): chr10:16,928,200, G>C on the plus strand (C>G on the coding strand, the complement: CUBN is on the minus strand). VCF-style: chr10-16928200-G-C. GRCh37 (hg19) VCF-style: chr10-16970199-G-C.
Other names: short protein forms D2076E.
Identifiers: ClinVar variation 2885495 (VCV002885495.3), dbSNP rs745744898, ClinGen allele CA5423758.

ClinVar aggregate classification (germline): Uncertain significance (1 of 4 stars; one submission).

Conditions:
Imerslund-Grasbeck syndrome. Also called: Imerslund-Gräsbeck syndrome; Megaloblastic anemia due to inborn errors of metabolism; PERNICIOUS ANEMIA, JUVENILE, DUE TO SELECTIVE INTESTINAL MALABSORPTION OF VITAMIN B12, WITH PROTEINURIA; ENTEROCYTE COBALAMIN MALABSORPTION; ENTEROCYTE INTRINSIC FACTOR RECEPTOR, DEFECT OF. Identifiers: Orphanet 35858, MedGen C4551825, MONDO:0009853.

Allele frequency attached by ClinVar (database versions not stated): ExAC 0.00001; gnomAD exomes 0.00001; TOPMed 0.00003; gnomAD 0.00002.
gnomAD v4.1: 10 of 1,613,880 alleles (0.00062%); highest among the groups gnomAD compares: African/African-American, 0.013%; no homozygotes.

Submission:

Labcorp Genetics (formerly Invitae), Labcorp
Classification: Uncertain significance for Imerslund-Grasbeck syndrome. Last evaluated: 2025-06-12. Review status: criteria provided, single submitter. Criteria: Invitae Variant Classification Sherloc (09022015). Collection method: clinical testing. Allele origin: germline.
Comment: This sequence change replaces aspartic acid, which is acidic and polar, with glutamic acid, which is acidic and polar, at codon 2076 of the CUBN protein (p.Asp2076Glu). This variant is present in population databases (rs745744898, gnomAD 0.01%). This variant has not been reported in the literature in individuals affected with CUBN-related conditions. ClinVar contains an entry for this variant (Variation ID: 2885495). Invitae Evidence Modeling of protein sequence and biophysical properties (such as structural, functional, and spatial information, amino acid conservation, physicochemical variation, residue mobility, and thermodynamic stability) indicates that this missense variant is expected to disrupt CUBN protein function with a positive predictive value of 80%. In summary, the available evidence is currently insufficient to determine the role of this variant in disease. Therefore, it has been classified as a Variant of Uncertain Significance.